The following is an entry in ClinVar:

ClinVar aggregate classification (germline): Benign/Likely benign. Review status: criteria provided, multiple submitters, no conflicts (2 of 4 stars). 6 submissions from 5 submitters: Benign (3); Likely benign (2). 1 of the submissions does not count toward it. Last evaluated 2026-02-04.

Conditions:
Severe early-childhood-onset retinal dystrophy (STGD1). Also called: Stargardt macular dystrophy; Juvenile onset macular degeneration; Stargardt disease 1; MACULAR DYSTROPHY WITH FLECKS, TYPE 1; STGD. Identifiers: Orphanet 364055, Orphanet 827, MedGen C1855465, MeSH D000080362, MONDO:0009549, OMIM 248200.
Achromatopsia 3 (ACHM3). Also called: PINGELAPESE BLINDNESS; TOTAL COLORBLINDNESS WITH MYOPIA; ROD MONOCHROMACY 1; ROD MONOCHROMATISM 1; ACHROMATOPSIA WITH MYOPIA. Identifiers: Orphanet 49382, MedGen C1849792, MONDO:0009875, OMIM 262300.
Achromatopsia. Also called: Rod monochromatism. Identifiers: Orphanet 49382, MedGen C0152200, MONDO:0018852, HP:0011516.

Allele frequency attached by ClinVar (database versions not stated): 1000 Genomes Project 0.00978; TOPMed 0.01073; 1000 Genomes Project 30x 0.00999; gnomAD 0.01037; ESP Exome Variant Server 0.01215.
gnomAD v4.1: 2,857 of 1,613,354 alleles (0.18%); highest among the groups gnomAD compares: African/African-American, 3.4%; 40 homozygotes.

Submissions (6):

Labcorp Genetics (formerly Invitae), Labcorp
Classification: Benign. Last evaluated: 2026-02-04. Review status: criteria provided, single submitter. Criteria: Invitae Variant Classification Sherloc (09022015). Collection method: clinical testing. Allele origin: germline.

Illumina Laboratory Services, Illumina
Classification: Benign for Severe early-childhood-onset retinal dystrophy. Last evaluated: 2017-04-28. Review status: criteria provided, single submitter. Criteria: ICSL Variant Classification Criteria 13 December 2019. Collection method: clinical testing. Allele origin: germline.
Comment: This variant was observed as part of a predisposition screen in an ostensibly healthy population. A literature search was performed for the gene, cDNA change, and amino acid change (where applicable). No publications were found based on this search. Allele frequency data from public databases was too high to be consistent with this variant causing disease. Therefore, this variant is classified as benign.

Illumina Laboratory Services, Illumina
Classification: Benign for Achromatopsia 3. Last evaluated: 2017-04-28. Review status: criteria provided, single submitter. Criteria: ICSL Variant Classification Criteria 13 December 2019. Collection method: clinical testing. Allele origin: germline.
Comment: This variant was observed as part of a predisposition screen in an ostensibly healthy population. A literature search was performed for the gene, cDNA change, and amino acid change (where applicable). Publications were found based on this search. The evidence from the literature, in combination with allele frequency data from public databases where available, was sufficient to rule this variant out of causing disease. Therefore, this variant is classified as benign.

Breakthrough Genomics
Classification: Likely benign. Review status: criteria provided, single submitter. Criteria: ACMG Guidelines, 2015. Collection method: not provided. Allele origin: germline. Inheritance: Autosomal recessive inheritance. Affected: yes.

PreventionGenetics, part of Exact Sciences
Classification: Likely benign. Review status: criteria provided, single submitter. Criteria: ACMG Guidelines, 2015. Collection method: clinical testing. Allele origin: germline.

Natera, Inc.
Classification: Benign for Achromatopsia. Last evaluated: 2020-09-16. Review status: no assertion criteria provided. Collection method: clinical testing. Allele origin: germline. Not counted in ClinVar's aggregate classification.

Literature cited by the submitters: PubMed 15712225 (cited by Illumina Laboratory Services, Illumina).

NM_019098.5(CNGB3):c.354G>T (p.Pro118=)

Gene: CNGB3 (cyclic nucleotide gated channel subunit beta 3; minus strand). Cytogenetic location: 8q21.3.
Variant type: single nucleotide variant.
Coding change: c.354G>T on transcript NM_019098.5 (MANE Select); coding-DNA position 354, G replaced by T.
Protein change: p.Pro118=; no amino-acid change (proline 118 retained).
Molecular consequence: synonymous variant.
Genome position (GRCh38, 1-based): chr8:86,671,083, C>A on the plus strand (G>T on the coding strand, the complement: CNGB3 is on the minus strand). VCF-style: chr8-86671083-C-A. GRCh37 (hg19) VCF-style: chr8-87683311-C-A.
Identifiers: ClinVar variation 261088 (VCV000261088.17), dbSNP rs75858066, ClinGen allele CA4800414.
Genomic context (GRCh38, chr8:86,671,083, plus strand): 5'-TCTTTTCACCAGGTTGTGTAGCTGGGCATCGGCATACTCATTTATAACAGGAGCTGCAGG[C>A]GGTTTGTTTTGTGGGCTAAATGAGAAAAAAAATGGCAATAGAGATGGGCCCATGAAGAAA-3'
Protein context (NP_061971.3, residues 108-128): KEGPNSPQNK[Pro118=]PAAPVINEYA